The following is an entry in ClinVar:

NM_001267550.2(TTN):c.45300C>A (p.Tyr15100Ter)

Genes: TTN (titin; minus strand), LOC126806427 (BRD4-independent group 4 enhancer GRCh37_chr2:179485777-179486976; plus strand). Cytogenetic location: 2q31.2.
Variant type: single nucleotide variant.
Coding change: c.45300C>A on transcript NM_001267550.2 (MANE Select); coding-DNA position 45300, C replaced by A.
Protein change: p.Tyr15100Ter; replaces tyrosine 15100 with a stop codon.
Molecular consequence: nonsense.
Genome position (GRCh38, 1-based): chr2:178,621,524, G>T on the plus strand (C>A on the coding strand, the complement: TTN is on the minus strand). VCF-style: chr2-178621524-G-T. GRCh37 (hg19) VCF-style: chr2-179486251-G-T.
Other names: c.40377C>A, p.Tyr13459Ter (NM_001256850.1); c.18105C>A, p.Tyr6035Ter (NM_003319.4); c.37596C>A, p.Tyr12532Ter (NM_133378.4); c.18480C>A, p.Tyr6160Ter (NM_133432.3); c.18681C>A, p.Tyr6227Ter (NM_133437.4); short protein forms Y12532*, Y13459*, Y15100*, Y6035*, Y6160*, Y6227*.
Identifiers: ClinVar variation 3757490 (VCV003757490.2).
Genomic context (GRCh38, chr2:178,621,524, plus strand): 5'-AGTTTTCATACCATGTACTTTGACTTTGCCATCGGTTCGAGAGCTTGGGAGTCGACAGTT[G>T]TAGTTGCCAGCATCCTCAAGGTGAGCGTTCTGAATGACCAGGATTCTCTTCCGTCCTTCA-3'

ClinVar aggregate classification (germline): Likely pathogenic (1 of 4 stars; one submission).

Conditions:
Dilated cardiomyopathy 1G (CMD1G). Identifiers: Orphanet 154, MedGen C1858763, MONDO:0011400, OMIM 604145.
Autosomal recessive limb-girdle muscular dystrophy type 2J (LGMDR10). Also called: Limb-girdle muscular dystrophy, type 2J; MUSCULAR DYSTROPHY, LIMB-GIRDLE, AUTOSOMAL RECESSIVE 10. Identifiers: Orphanet 140922, MedGen C1837342, MONDO:0012127, OMIM 608807.

Submission:

Labcorp Genetics (formerly Invitae), Labcorp
Classification: Likely pathogenic for Dilated cardiomyopathy 1G; Autosomal recessive limb-girdle muscular dystrophy type 2J. Last evaluated: 2024-08-01. Review status: criteria provided, single submitter. Criteria: Invitae Variant Classification Sherloc (09022015). Collection method: clinical testing. Allele origin: germline.
Comment: This sequence change creates a premature translational stop signal (p.Tyr15100*) in the TTN gene. While this is not anticipated to result in nonsense mediated decay, it is expected to create a truncated TTN protein. This variant is not present in population databases (gnomAD no frequency). This variant has not been reported in the literature in individuals affected with TTN-related conditions. This variant is located in the I band of TTN (PMID: 25589632). Truncating variants in this region have been reported in individuals affected with autosomal recessive centronuclear myopathy (PMID: 23975875, Invitae internal data). Truncating variants in this region have also been identified in individuals affected with autosomal dominant dilated cardiomyopathy and/or cardio-related conditions (PMID: 27869827, 32964742, Invitae internal data). In summary, the currently available evidence indicates that the variant is pathogenic, but additional data are needed to prove that conclusively. Therefore, this variant has been classified as Likely Pathogenic.

Literature cited by the submitters: PubMed 25589632; PubMed 23975875; PubMed 27869827; PubMed 32964742.